The following is an entry in ClinVar:

NM_001267550.2(TTN):c.93975G>A (p.Ser31325=)

Genes: TTN (titin; minus strand), TTN-AS1 (TTN antisense RNA 1; plus strand). Cytogenetic location: 2q31.2.
Variant type: single nucleotide variant.
Coding change: c.93975G>A on transcript NM_001267550.2 (MANE Select); coding-DNA position 93975, G replaced by A.
Protein change: p.Ser31325=; no amino-acid change (serine 31325 retained).
Molecular consequence: synonymous variant.
Genome position (GRCh38, 1-based): chr2:178,547,651, C>T on the plus strand (G>A on the coding strand, the complement: TTN is on the minus strand). VCF-style: chr2-178547651-C-T. GRCh37 (hg19) VCF-style: chr2-179412378-C-T.
Other names: c.89052G>A, p.Ser29684= (NM_001256850.1); c.66780G>A, p.Ser22260= (NM_003319.4); c.86271G>A, p.Ser28757= (NM_133378.4); c.67155G>A, p.Ser22385= (NM_133432.3); c.67356G>A, p.Ser22452= (NM_133437.4).
Identifiers: ClinVar variation 238866 (VCV000238866.16), dbSNP rs752470969, ClinGen allele CA1987219.

ClinVar aggregate classification (germline): Likely benign. Review status: criteria provided, multiple submitters, no conflicts (2 of 4 stars). 4 submissions from 4 submitters: Likely benign (4). Last evaluated 2026-01-27.

Conditions:
Cardiovascular phenotype. Identifiers: MedGen CN230736.
TTN-related disorder. Also called: TTN-related condition; TTN-related disease; TTN-related disorders.
Autosomal recessive limb-girdle muscular dystrophy type 2J (LGMDR10). Also called: MUSCULAR DYSTROPHY, LIMB-GIRDLE, AUTOSOMAL RECESSIVE 10; Limb-girdle muscular dystrophy, type 2J. Identifiers: Orphanet 140922, MedGen C1837342, MONDO:0012127, OMIM 608807.
Dilated cardiomyopathy 1G (CMD1G). Identifiers: Orphanet 154, MedGen C1858763, MONDO:0011400, OMIM 604145.

Allele frequency attached by ClinVar (database versions not stated): ExAC 0.00002; gnomAD 0.00002; gnomAD exomes 0.00002 and 0.00003; TOPMed 0.00002.
gnomAD v4.1: 46 of 1,613,766 alleles (0.0029%); highest among the groups gnomAD compares: East Asian, 0.0067%; no homozygotes.

Submissions (4):

PreventionGenetics, part of Exact Sciences
Classification: Likely benign for TTN-related condition. Last evaluated: 2026-01-27. Review status: criteria provided, single submitter. Criteria: ACMG Guidelines, 2015. Collection method: clinical testing. Allele origin: germline.
Comment: This variant is classified as likely benign based on ACMG/AMP sequence variant interpretation guidelines (Richards et al. 2015 PMID: 25741868, with internal and published modifications).

Labcorp Genetics (formerly Invitae), Labcorp
Classification: Likely benign for Dilated cardiomyopathy 1G; Autosomal recessive limb-girdle muscular dystrophy type 2J. Last evaluated: 2025-12-24. Review status: criteria provided, single submitter. Criteria: Invitae Variant Classification Sherloc (09022015). Collection method: clinical testing. Allele origin: germline.

Blueprint Genetics
Classification: Likely benign. Last evaluated: 2019-10-31. Review status: criteria provided, single submitter. Criteria: ACMG Guidelines, 2015. Collection method: clinical testing. Allele origin: germline.

Ambry Genetics
Classification: Likely benign for Cardiovascular phenotype. Last evaluated: 2018-12-11. Review status: criteria provided, single submitter. Criteria: Ambry Variant Classification Scheme 2023. Collection method: clinical testing. Allele origin: germline.